The following is an entry in ClinVar:

NM_001278716.2(FBXL4):c.1125C>T (p.Ser375=)

Gene: FBXL4 (F-box and leucine rich repeat protein 4; minus strand). Cytogenetic location: 6q16.1.
Variant type: single nucleotide variant.
Coding change: c.1125C>T on transcript NM_001278716.2 (MANE Select); coding-DNA position 1125, C replaced by T.
Protein change: p.Ser375=; no amino-acid change (serine 375 retained).
Molecular consequence: synonymous variant. On other transcripts: non-coding transcript variant (2).
Genome position (GRCh38, 1-based): chr6:98,899,460, G>A on the plus strand (C>T on the coding strand, the complement: FBXL4 is on the minus strand). VCF-style: chr6-98899460-G-A. GRCh37 (hg19) VCF-style: chr6-99347336-G-A.
Other names: c.1125C>T, p.Ser375= (NM_012160.5).
Identifiers: ClinVar variation 437698 (VCV000437698.9), dbSNP rs377550308, ClinGen allele CA3933518.

ClinVar aggregate classification (germline): Conflicting classifications of pathogenicity. Review status: criteria provided, conflicting classifications (1 of 4 stars). 3 submissions from 3 submitters: Uncertain significance (1); Likely benign (1). 1 of the submissions does not count toward it. Last evaluated 2026-01-09.

Conditions:
Mitochondrial DNA depletion syndrome 13. Also called: FBXL4-Related Encephalomyopathic Mitochondrial DNA Depletion Syndrome; Mitochondrial DNA depletion syndrome 13 (encephalomyopathic type). Identifiers: Orphanet 369897, MedGen C3809592, MONDO:0014198, OMIM 615471.
FBXL4-related disorder. Also called: FBXL4-related condition.

Allele frequency attached by ClinVar (database versions not stated): gnomAD exomes 0.00003 and 0.00004; ExAC 0.00004; gnomAD 0.00007 and 0.00008; ESP Exome Variant Server 0.00008; TOPMed 0.00012.
gnomAD v4.1: 50 of 1,612,644 alleles (0.0031%); highest among the groups gnomAD compares: African/African-American, 0.025%; no homozygotes.

Submissions (3):

Labcorp Genetics (formerly Invitae), Labcorp
Classification: Likely benign. Last evaluated: 2026-01-09. Review status: criteria provided, single submitter. Criteria: Invitae Variant Classification Sherloc (09022015). Collection method: clinical testing. Allele origin: germline.

Wong Mito Lab, Molecular and Human Genetics, Baylor College of Medicine
Classification: Uncertain significance for Mitochondrial DNA depletion syndrome 13. Last evaluated: 2017-08-10. Review status: criteria provided, single submitter. Criteria: ACMG Guidelines, 2015. Collection method: reference population. Allele origin: germline.
Comment: The NM_012160.4:c.1125C>T (NP_036292.2:p.Ser375=) [GRCH38: NC_000006.12:g.98899460G>A] variant in FBXL4 gene is interpretated to be a Uncertain Significance - Conflicting Evidence based on ACMG guidelines (PMID: 25741868). This variant meets one or more of the following evidence codes reported in the ACMG-guideline. PM2:This variant is absent in key population databases. BP4:Computational evidence/predictors indicate no impact on the FBXL4 structure, function, or protein-protein interaction. BP7:The variant is silent with non predicted splice impact. Based on this evidence code ClinGen Pathogenicity Calculator (PMID:28081714) suggested that the variant is Uncertain Significance - Conflicting Evidence.

PreventionGenetics, part of Exact Sciences
Classification: Likely benign for FBXL4-related condition. Last evaluated: 2019-06-03. Review status: no assertion criteria provided. Collection method: clinical testing. Allele origin: germline. Not counted in ClinVar's aggregate classification.
Comment: This variant is classified as likely benign based on ACMG/AMP sequence variant interpretation guidelines (Richards et al. 2015 PMID: 25741868, with internal and published modifications).